The following is an entry in ClinVar:

ClinVar aggregate classification (germline): Uncertain significance. Review status: criteria provided, multiple submitters, no conflicts (2 of 4 stars). 2 submissions from 2 submitters: Uncertain significance (2). Last evaluated 2025-06-12.

Conditions:
Curry-Hall syndrome (WAD). Also called: WEYERS ACRODENTAL DYSOSTOSIS. Identifiers: Orphanet 952, MedGen C0457013, MONDO:0008673, OMIM 193530.
Ellis-van Creveld syndrome (EVC). Also called: EVC-Related Ellis-van Creveld Syndrome; EVC2-Related Ellis-van Creveld Syndrome; MESOECTODERMAL DYSPLASIA; Chondroectodermal dysplasia. Identifiers: Orphanet 289, MedGen C0013903, MONDO:0009162, OMIM 225500.
Inborn genetic diseases. Identifiers: MedGen C0950123, MeSH D030342.

gnomAD v4.1: 15 of 1,614,034 alleles (0.00093%); highest among the groups gnomAD compares: African/African-American, 0.0067%; no homozygotes.

Submissions (2):

Labcorp Genetics (formerly Invitae), Labcorp
Classification: Uncertain significance for Curry-Hall syndrome; Ellis-van Creveld syndrome. Last evaluated: 2025-06-12. Review status: criteria provided, single submitter. Criteria: Invitae Variant Classification Sherloc (09022015). Collection method: clinical testing. Allele origin: germline.
Comment: This sequence change replaces arginine, which is basic and polar, with glutamine, which is neutral and polar, at codon 752 of the EVC2 protein (p.Arg752Gln). This variant is present in population databases (rs139717271, gnomAD 0.01%). This variant has not been reported in the literature in individuals affected with EVC2-related conditions. ClinVar contains an entry for this variant (Variation ID: 3758953). An algorithm developed to predict the effect of missense changes on protein structure and function (PolyPhen-2) suggests that this variant is likely to be disruptive. In summary, the available evidence is currently insufficient to determine the role of this variant in disease. Therefore, it has been classified as a Variant of Uncertain Significance.

Ambry Genetics
Classification: Uncertain significance for Inborn genetic diseases. Last evaluated: 2025-04-13. Review status: criteria provided, single submitter. Criteria: Ambry Variant Classification Scheme 2023. Collection method: clinical testing. Allele origin: germline.

NM_147127.5(EVC2):c.2255G>A (p.Arg752Gln)

Gene: EVC2 (EvC ciliary complex subunit 2; minus strand). Cytogenetic location: 4p16.2.
Variant type: single nucleotide variant.
Coding change: c.2255G>A on transcript NM_147127.5 (MANE Select); coding-DNA position 2255, G replaced by A.
Protein change: p.Arg752Gln; replaces arginine 752 with glutamine.
Molecular consequence: missense variant.
Genome position (GRCh38, 1-based): chr4:5,622,783, C>T on the plus strand (G>A on the coding strand, the complement: EVC2 is on the minus strand). VCF-style: chr4-5622783-C-T. GRCh37 (hg19) VCF-style: chr4-5624510-C-T.
Other names: c.2015G>A, p.Arg672Gln (NM_001166136.2); c.2255G>A (NM_147127.4); short protein forms R672Q, R752Q.
Identifiers: ClinVar variation 3758953 (VCV003758953.3).
Genomic context (GRCh38, chr4:5,622,783, plus strand): 5'-AAGAGCCAGGGCACCCCACGCTTGAGCAGCTCCTGGGTCATGGCTGAGTTCTGCAGGCGC[C>T]GCAGCTCGTCGGTGGCCTTTTCAAACAGCGAAAGGGTCAGGGTCCTGAGATCGTCCAGGG-3'
Protein context (NP_667338.3, residues 742-762): SLFEKATDEL[Arg752Gln]RLQNSAMTQE